The following is an entry in ClinVar:

ClinVar aggregate classification (germline): Uncertain significance (1 of 4 stars; one submission).

Allele frequency attached by ClinVar (database versions not stated): ExAC 0.00002; gnomAD 0.00003 and 0.00004; gnomAD exomes 0.00003 and 0.00009; TOPMed 0.00003; ESP Exome Variant Server 0.00008.
gnomAD v4.1: 139 of 1,613,688 alleles (0.0086%); highest among the groups gnomAD compares: Non-Finnish European, 0.012%; no homozygotes.

Submission:

Labcorp Genetics (formerly Invitae), Labcorp
Classification: Uncertain significance. Last evaluated: 2021-11-29. Review status: criteria provided, single submitter. Criteria: Invitae Variant Classification Sherloc (09022015). Collection method: clinical testing. Allele origin: germline.
Comment: In summary, the available evidence is currently insufficient to determine the role of this variant in disease. Therefore, it has been classified as a Variant of Uncertain Significance. Algorithms developed to predict the effect of sequence changes on RNA splicing suggest that this variant may create or strengthen a splice site. Algorithms developed to predict the effect of missense changes on protein structure and function are either unavailable or do not agree on the potential impact of this missense change (SIFT: "Deleterious"; PolyPhen-2: "Benign"; Align-GVGD: "Class C55"). This variant has not been reported in the literature in individuals affected with HERC1-related conditions. This variant is present in population databases (rs376973876, gnomAD 0.006%). This sequence change replaces alanine, which is neutral and non-polar, with valine, which is neutral and non-polar, at codon 4011 of the HERC1 protein (p.Ala4011Val).

NM_003922.4(HERC1):c.12032C>T (p.Ala4011Val)

Gene: HERC1 (HECT and RLD domain containing E3 ubiquitin protein ligase family member 1; minus strand). Cytogenetic location: 15q22.31.
Variant type: single nucleotide variant.
Coding change: c.12032C>T on transcript NM_003922.4 (MANE Select); coding-DNA position 12032, C replaced by T.
Protein change: p.Ala4011Val; replaces alanine 4011 with valine.
Molecular consequence: missense variant.
Genome position (GRCh38, 1-based): chr15:63,638,472, G>A on the plus strand (C>T on the coding strand, the complement: HERC1 is on the minus strand). VCF-style: chr15-63638472-G-A. GRCh37 (hg19) VCF-style: chr15-63930671-G-A.
Other names: short protein forms A4011V.
Identifiers: ClinVar variation 1500029 (VCV001500029.6), dbSNP rs376973876, ClinGen allele CA7604078.